The following is an entry in ClinVar:

NM_000051.4(ATM):c.3291C>G (p.Phe1097Leu)

Gene: ATM (ATM serine/threonine kinase; plus strand). Cytogenetic location: 11q22.3.
Variant type: single nucleotide variant.
Coding change: c.3291C>G on transcript NM_000051.4 (MANE Select); coding-DNA position 3291, C replaced by G.
Protein change: p.Phe1097Leu; replaces phenylalanine 1097 with leucine.
Molecular consequence: missense variant.
Genome position (GRCh38, 1-based): chr11:108,279,497, C>G. VCF-style: chr11-108279497-C-G. GRCh37 (hg19) VCF-style: chr11-108150224-C-G.
Other names: c.3291C>G, p.Phe1097Leu (NM_001351834.2); short protein forms F1097L.
Identifiers: ClinVar variation 230299 (VCV000230299.28), dbSNP rs876658491, ClinGen allele CA10579095.

ClinVar aggregate classification (germline): Uncertain significance. Review status: criteria provided, multiple submitters, no conflicts (2 of 4 stars). 6 submissions from 6 submitters: Uncertain significance (4). 2 of the submissions do not count toward it. Last evaluated 2025-08-08.

Conditions:
Hereditary cancer-predisposing syndrome. Also called: Hereditary Cancer Syndrome; Neoplastic Syndromes, Hereditary; Tumor predisposition; Hereditary neoplastic syndrome. Identifiers: Orphanet 140162, MedGen C0027672, MeSH D009386, MONDO:0015356.
Ataxia-telangiectasia syndrome (AT). Also called: Ataxia telangiectasia (A-T); Ataxia-telangiectasia, complementation group E; LOUIS-BAR SYNDROME; Cerebello-oculocutaneous telangiectasia; Immunodeficiency with ataxia telangiectasia; Ataxia-telangiectasia, complementation group D. Identifiers: Orphanet 100, MedGen C0004135, MONDO:0008840, OMIM 208900.

Allele frequency attached by ClinVar (database versions not stated): gnomAD exomes below 0.00001; TOPMed below 0.00001; gnomAD 0.00001.
gnomAD v4.1: 3 of 1,606,442 alleles (0.00019%); highest among the groups gnomAD compares: Non-Finnish European, 0.00017%; no homozygotes.

Submissions (6):

Ambry Genetics
Classification: Uncertain significance for Hereditary cancer-predisposing syndrome. Last evaluated: 2025-08-08. Review status: criteria provided, single submitter. Criteria: Ambry Variant Classification Scheme 2023. Collection method: clinical testing. Allele origin: germline.
Comment: The p.F1097L variant (also known as c.3291C>G), located in coding exon 22 of the ATM gene, results from a C to G substitution at nucleotide position 3291. The phenylalanine at codon 1097 is replaced by leucine, an amino acid with highly similar properties. This amino acid position is highly conserved in available vertebrate species. In addition, the in silico prediction for this alteration is inconclusive. Since supporting evidence is limited at this time, the clinical significance of this alteration remains unclear.

Labcorp Genetics (formerly Invitae), Labcorp
Classification: Uncertain significance for Ataxia-telangiectasia syndrome. Last evaluated: 2025-07-21. Review status: criteria provided, single submitter. Criteria: Invitae Variant Classification Sherloc (09022015). Collection method: clinical testing. Allele origin: germline.
Comment: This sequence change replaces phenylalanine, which is neutral and non-polar, with leucine, which is neutral and non-polar, at codon 1097 of the ATM protein (p.Phe1097Leu). This variant is not present in population databases (gnomAD no frequency). This variant has not been reported in the literature in individuals affected with ATM-related conditions. ClinVar contains an entry for this variant (Variation ID: 230299). Invitae Evidence Modeling of protein sequence and biophysical properties (such as structural, functional, and spatial information, amino acid conservation, physicochemical variation, residue mobility, and thermodynamic stability) indicates that this missense variant is not expected to disrupt ATM protein function with a negative predictive value of 95%. In summary, the available evidence is currently insufficient to determine the role of this variant in disease. Therefore, it has been classified as a Variant of Uncertain Significance.

Color Diagnostics, LLC DBA Color Health
Classification: Uncertain significance for Hereditary cancer-predisposing syndrome. Last evaluated: 2024-03-06. Review status: criteria provided, single submitter. Criteria: ACMG Guidelines, 2015. Collection method: clinical testing. Allele origin: germline.
Comment: This missense variant replaces phenylalanine with leucine at codon 1097 of the ATM protein. Computational prediction suggests that this variant may not impact protein structure and function (internally defined REVEL score threshold <= 0.5, PMID: 27666373). To our knowledge, functional studies have not been reported for this variant. This variant has not been reported in individuals affected with ATM-related disorders in the literature. This variant has not been identified in the general population by the Genome Aggregation Database (gnomAD). The available evidence is insufficient to determine the role of this variant in disease conclusively. Therefore, this variant is classified as a Variant of Uncertain Significance.

GeneDx
Classification: Uncertain significance. Last evaluated: 2024-01-25. Review status: criteria provided, single submitter. Criteria: GeneDx Variant Classification Process June 2021. Collection method: clinical testing. Allele origin: germline. Affected: yes.
Comment: Not observed at significant frequency in large population cohorts (gnomAD); In silico analysis supports that this missense variant has a deleterious effect on protein structure/function; Has not been previously published as pathogenic or benign to our knowledge; This variant is associated with the following publications: (PMID: 19781682)

Natera, Inc.
Classification: Uncertain significance for Ataxia-telangiectasia. Last evaluated: 2021-03-12. Review status: no assertion criteria provided. Collection method: clinical testing. Allele origin: germline. Not counted in ClinVar's aggregate classification.

Department of Pathology and Laboratory Medicine, Sinai Health System
Classification: Uncertain significance. Review status: no assertion criteria provided. Collection method: clinical testing. Allele origin: unknown. Affected: yes. Study: The Canadian Open Genetics Repository (COGR). Not counted in ClinVar's aggregate classification.
Comment: The ATM p.Phe1097Leu variant was not identified in the literature nor was it identified in the dbSNP, Genesight-COGR, Cosmic, MutDB, LOVD 3.0, and ATM-LOVD database, but was identified in ClinVar (classified as uncertain significance by Ambry Genetics, Invitae and GeneDx). The variant was not identified in the 1000 Genomes Project, the NHLBI GO Exome Sequencing Project or the genome Aggregation Database (Feb 27 2017) control databases. The p.Phe1097Leu residue is conserved in mammals and computational analyses (PolyPhen-2, SIFT, AlignGVGD, BLOSUM, MutationTaster) provide inconsistent predictions regarding the impact to the protein; this information is not very predictive of pathogenicity. The variant occurs outside of the splicing consensus sequence (7 nucleotides into the exon) and in silico or computational prediction software programs (SpliceSiteFinder, MaxEntScan, NNSPLICE, GeneSplicer, HumanSpliceFinder) do not predict a difference in splicing. In summary, based on the above information the clinical significance of this variant cannot be determined with certainty at this time. This variant is classified as a variant of uncertain significance.